The following is an entry in ClinVar:

NM_002633.3(PGM1):c.246+67C>T

Genes: PGM1 (phosphoglucomutase 1; plus strand), LOC129930669 (ATAC-STARR-seq lymphoblastoid silent region 951; plus strand). Cytogenetic location: 1p31.3.
Variant type: single nucleotide variant.
Coding change: c.246+67C>T on transcript NM_002633.3 (MANE Select); 67 bases into the intron after coding-DNA position 246, C replaced by T.
Molecular consequence: intron variant.
Genome position (GRCh38, 1-based): chr1:63,593,801, C>T. VCF-style: chr1-63593801-C-T. GRCh37 (hg19) VCF-style: chr1-64059472-C-T.
Identifiers: ClinVar variation 1259045 (VCV001259045.5), dbSNP rs11584276, ClinGen allele CA10674771.

ClinVar aggregate classification (germline): Benign. Review status: criteria provided, multiple submitters, no conflicts (2 of 4 stars). 3 submissions from 3 submitters: Benign (3). Last evaluated 2024-01-24.

Allele frequency attached by ClinVar (database versions not stated): 1000 Genomes Project 30x 0.05028; 1000 Genomes Project 0.05252; TOPMed 0.07287; gnomAD 0.07960 and 0.08007; gnomAD exomes 0.10405.
gnomAD v4.1: 148,574 of 1,468,652 alleles (10%); highest among the groups gnomAD compares: Non-Finnish European, 11%; 8,157 homozygotes.

Submissions (3):

Unidad de Genómica Garrahan, Hospital de Pediatría Garrahan
Classification: Benign. Last evaluated: 2024-01-24. Review status: criteria provided, single submitter. Criteria: ACMG Guidelines, 2015. Collection method: clinical testing. Allele origin: germline. Affected: no. Observed: 20 variant alleles.
Comment: This variant is classified as Benign based on local population frequency. This variant was detected in 21% of patients studied by a panel of primary immunodeficiencies. Number of patients: 20. Only high quality variants are reported.

GeneDx
Classification: Benign. Last evaluated: 2018-06-23. Review status: criteria provided, single submitter. Criteria: GeneDx Variant Classification Process June 2021. Collection method: clinical testing. Allele origin: germline. Affected: yes.

Breakthrough Genomics
Classification: Benign. Review status: criteria provided, single submitter. Criteria: ACMG Guidelines, 2015. Collection method: not provided. Allele origin: germline. Inheritance: Autosomal recessive inheritance. Affected: yes.